The following is an entry in ClinVar:

NM_177438.3(DICER1):c.211A>G (p.Thr71Ala)

Gene: DICER1 (dicer 1, ribonuclease III; minus strand). Cytogenetic location: 14q32.13.
Variant type: single nucleotide variant.
Coding change: c.211A>G on transcript NM_177438.3 (MANE Select); coding-DNA position 211, A replaced by G.
Protein change: p.Thr71Ala; replaces threonine 71 with alanine.
Molecular consequence: missense variant. On other transcripts: 5 prime UTR variant (9), non-coding transcript variant (6).
Genome position (GRCh38, 1-based): chr14:95,132,611, T>C on the plus strand (A>G on the coding strand, the complement: DICER1 is on the minus strand). VCF-style: chr14-95132611-T-C. GRCh37 (hg19) VCF-style: chr14-95598948-T-C.
Other names: c.211A>G, p.Thr71Ala (NM_001195573.1, NM_001271282.3, NM_001291628.2 and 15 more transcripts); c.-64A>G (NM_001395686.1, NM_001395687.1, NM_001395688.1 and 4 more transcripts); c.-248A>G (NM_001395691.1); c.-1358A>G (NM_001395697.1); short protein forms T71A.
Identifiers: ClinVar variation 2566148 (VCV002566148.2), dbSNP rs2543370362, ClinGen allele CA390889964.

ClinVar aggregate classification (germline): Uncertain significance (1 of 4 stars; one submission).

Conditions:
Hereditary cancer-predisposing syndrome. Also called: Neoplastic Syndromes, Hereditary; Hereditary Cancer Syndrome; Hereditary neoplastic syndrome; Tumor predisposition. Identifiers: Orphanet 140162, MedGen C0027672, MeSH D009386, MONDO:0015356.

Submission:

Ambry Genetics
Classification: Uncertain significance for Hereditary cancer-predisposing syndrome. Last evaluated: 2023-03-30. Review status: criteria provided, single submitter. Criteria: Ambry Variant Classification Scheme 2023. Collection method: clinical testing. Allele origin: germline.
Comment: The p.T71A variant (also known as c.211A>G), located in coding exon 2 of the DICER1 gene, results from an A to G substitution at nucleotide position 211. The threonine at codon 71 is replaced by alanine, an amino acid with similar properties. This amino acid position is well conserved in available vertebrate species. In addition, this alteration is predicted to be deleterious by in silico analysis. Since supporting evidence is limited at this time, the clinical significance of this alteration remains unclear.